The following is an entry in ClinVar:

ClinVar aggregate classification (germline): Uncertain significance (1 of 4 stars; one submission).

Submission:

Ambry Genetics
Classification: Uncertain significance. Last evaluated: 2025-12-22. Review status: criteria provided, single submitter. Criteria: Ambry Variant Classification Scheme 2023. Collection method: clinical testing. Allele origin: germline.
Comment: The p.I358T variant (also known as c.1073T>C), located in coding exon 3 of the WNK2 gene, results from a T to C substitution at nucleotide position 1073. The isoleucine at codon 358 is replaced by threonine, an amino acid with similar properties. This amino acid position is conserved. In addition, this alteration is predicted to be deleterious by in silico analysis. Based on the available evidence, the clinical significance of this variant remains unclear.

NM_006648.4(WNK2):c.1073T>C (p.Ile358Thr)

Gene: WNK2 (WNK lysine deficient protein kinase 2; plus strand). Cytogenetic location: 9q22.31.
Variant type: single nucleotide variant.
Coding change: c.1073T>C on transcript NM_006648.4 (MANE Select); coding-DNA position 1073, T replaced by C.
Protein change: p.Ile358Thr; replaces isoleucine 358 with threonine.
Molecular consequence: missense variant.
Genome position (GRCh38, 1-based): chr9:93,231,106, T>C. VCF-style: chr9-93231106-T-C. GRCh37 (hg19) VCF-style: chr9-95993388-T-C.
Other names: c.1073T>C, p.Ile358Thr (NM_001282394.3); short protein forms I358T.
Identifiers: ClinVar variation 4842090 (VCV004842090.1).